The following is an entry in ClinVar:

NM_001166114.2(PNPLA6):c.3296A>G (p.Tyr1099Cys)

Gene: PNPLA6 (patatin like domain 6, lysophospholipase; plus strand). Cytogenetic location: 19p13.2.
Variant type: single nucleotide variant.
Coding change: c.3296A>G on transcript NM_001166114.2 (MANE Select); coding-DNA position 3296, A replaced by G.
Protein change: p.Tyr1099Cys; replaces tyrosine 1099 with cysteine.
Molecular consequence: missense variant.
Genome position (GRCh38, 1-based): chr19:7,557,183, A>G. VCF-style: chr19-7557183-A-G. GRCh37 (hg19) VCF-style: chr19-7622069-A-G.
Other names: c.3326A>G, p.Tyr1109Cys (NM_001166111.2); c.3101A>G, p.Tyr1034Cys (NM_001166112.2); c.3182A>G, p.Tyr1061Cys (NM_001166113.1, NM_006702.5); short protein forms Y1099C, Y1109C, Y1034C, Y1061C.
Identifiers: ClinVar variation 1377033 (VCV001377033.6), dbSNP rs2146110600, ClinGen allele CA403133707.

ClinVar aggregate classification (germline): Pathogenic (1 of 4 stars; one submission).

Conditions:
Hereditary spastic paraplegia 39 (SPG39). Also called: SPASTIC PARAPLEGIA 39, AUTOSOMAL RECESSIVE; Spastic Paraplegia Type 39 (SPG39). Identifiers: Orphanet 139480, MedGen C2677586, MONDO:0012787, OMIM 612020.

Submission:

Labcorp Genetics (formerly Invitae), Labcorp
Classification: Pathogenic for Hereditary spastic paraplegia 39. Last evaluated: 2023-03-23. Review status: criteria provided, single submitter. Criteria: Invitae Variant Classification Sherloc (09022015). Collection method: clinical testing. Allele origin: germline.
Comment: This sequence change replaces tyrosine, which is neutral and polar, with cysteine, which is neutral and slightly polar, at codon 1061 of the PNPLA6 protein (p.Tyr1061Cys). This variant is not present in population databases (gnomAD no frequency). This missense change has been observed in individual(s) with PNPLA6-related conditions (Invitae). In at least one individual the data is consistent with being in trans (on the opposite chromosome) from a pathogenic variant. It has also been observed to segregate with disease in related individuals. ClinVar contains an entry for this variant (Variation ID: 1377033). Advanced modeling of protein sequence and biophysical properties (such as structural, functional, and spatial information, amino acid conservation, physicochemical variation, residue mobility, and thermodynamic stability) performed at Invitae indicates that this missense variant is expected to disrupt PNPLA6 protein function. For these reasons, this variant has been classified as Pathogenic.